The following is an entry in ClinVar:

ClinVar aggregate classification (germline): Benign. Review status: criteria provided, single submitter (1 of 4 stars). 2 submissions from 1 submitter: Benign (2). Last evaluated 2018-01-12.

Conditions:
Susceptibility to mononeuropathy of the median nerve, mild. Also called: CARPAL TUNNEL SYNDROME, SUSCEPTIBILITY TO. Identifiers: MedGen C3150596, MONDO:0013237, OMIM 613353.
Charcot-Marie-Tooth disease type 4C (CMT4C). Also called: CHARCOT-MARIE-TOOTH DISEASE, DEMYELINATING, AUTOSOMAL RECESSIVE, TYPE 4C; CMT 4C; Charcot-Marie-Tooth Neuropathy Type 4C (CMT4C); CHARCOT-MARIE-TOOTH DISEASE, DEMYELINATING, TYPE 4C; SH3TC2-Related Hereditary Motor and Sensory Neuropathy. Identifiers: Orphanet 99949, MedGen C1866636, MONDO:0011113, OMIM 601596.

Allele frequency attached by ClinVar (database versions not stated): gnomAD 0.76017 and 0.76466; TOPMed 0.76564; 1000 Genomes Project 30x 0.78638; 1000 Genomes Project 0.78814.
gnomAD v4.1: 115,977 of 151,676 alleles (76%); highest among the groups gnomAD compares: East Asian, 97%; 44,903 homozygotes.

Submissions (2):

Illumina Laboratory Services, Illumina
Classification: Benign for Susceptibility to mononeuropathy of the median nerve, mild. Last evaluated: 2018-01-12. Review status: criteria provided, single submitter. Criteria: ICSL Variant Classification Criteria 13 December 2019. Collection method: clinical testing. Allele origin: germline.
Comment: This variant was observed in the ICSL laboratory as part of a predisposition screen in an ostensibly healthy population. It had not been previously curated by ICSL or reported in the Human Gene Mutation Database (HGMD: prior to June 1st, 2018), and was therefore a candidate for classification through an automated scoring system. Utilizing variant allele frequency, disease prevalence and penetrance estimates, and inheritance mode, an automated score was calculated to assess if this variant is too frequent to cause the disease. Based on the score and internal cut-off values, a variant classified as benign is not then subjected to further curation. The score for this variant resulted in a classification of benign for this disease.

Illumina Laboratory Services, Illumina
Classification: Benign for Charcot-Marie-Tooth disease type 4C. Last evaluated: 2018-01-12. Review status: criteria provided, single submitter. Criteria: ICSL Variant Classification Criteria 13 December 2019. Collection method: clinical testing. Allele origin: germline.
Comment: the same text as in the submission from Illumina Laboratory Services, Illumina above.

NM_024577.4(SH3TC2):c.*16950T>C

Gene: SH3TC2 (SH3 domain and tetratricopeptide repeats 2; minus strand). Cytogenetic location: 5q32.
Variant type: single nucleotide variant.
Coding change: c.*16950T>C on transcript NM_024577.4 (MANE Select); 16950 bases downstream of the stop codon, T replaced by C.
Molecular consequence: 3 prime UTR variant.
Genome position (GRCh38, 1-based): chr5:148,987,761, A>G on the plus strand (T>C on the coding strand, the complement: SH3TC2 is on the minus strand). VCF-style: chr5-148987761-A-G. GRCh37 (hg19) VCF-style: chr5-148367324-A-G.
Identifiers: ClinVar variation 351622 (VCV000351622.5), dbSNP rs10040798, ClinGen allele CA10620577.
Genomic context (GRCh38, chr5:148,987,761, plus strand): 5'-ATCATCAGATTAAGACTGAGAAGAACAAAGCTGTGGTCACTCTCCCACCACTTAACAAGC[A>G]TGGGAAGCTCACCAAGTCATGTCCTCACTCGAGGCCTCATTCAAAATCTGTGTGTGTGTG-3'